The following is an entry in ClinVar:

ClinVar aggregate classification (germline): Benign. Review status: criteria provided, multiple submitters, no conflicts (2 of 4 stars). 3 submissions from 3 submitters: Benign (2). 1 of the submissions does not count toward it. Last evaluated 2018-11-10.

Conditions:
CABIN1-related disorder. Also called: CABIN1-related condition.

Allele frequency attached by ClinVar (database versions not stated): ESP Exome Variant Server 0.05251; gnomAD 0.05348 and 0.05464; TOPMed 0.05385; 1000 Genomes Project 30x 0.05918; 1000 Genomes Project 0.06130; ExAC 0.06285; gnomAD exomes 0.06316.
gnomAD v4.1: 110,806 of 1,614,098 alleles (6.9%); highest among the groups gnomAD compares: East Asian, 15%; 4,267 homozygotes.

Submissions (13):

GeneDx
Classification: Benign. Last evaluated: 2018-11-10. Review status: criteria provided, single submitter. Criteria: GeneDx Variant Classification Process June 2021. Collection method: clinical testing. Allele origin: germline. Affected: yes.

Breakthrough Genomics
Classification: Benign. Review status: criteria provided, single submitter. Criteria: ACMG Guidelines, 2015. Collection method: not provided. Allele origin: germline. Inheritance: Unknown mechanism. Affected: yes.

PreventionGenetics, part of Exact Sciences
Classification: Benign for CABIN1-related condition. Last evaluated: 2019-12-03. Review status: no assertion criteria provided. Collection method: clinical testing. Allele origin: germline. Not counted in ClinVar's aggregate classification.
Comment: This variant is classified as benign based on ACMG/AMP sequence variant interpretation guidelines (Richards et al. 2015 PMID: 25741868, with internal and published modifications).

Dr. Peter K. Rogan Lab, Western University
No classification provided (evidence only). Condition: Acute myeloid leukemia. Review status: no classification provided. Collection method: in vitro. Allele origin: not applicable. Functional consequence: retained intron. Not counted in ClinVar's aggregate classification.

Dr. Peter K. Rogan Lab, Western University
No classification provided (evidence only). Condition: Acute myeloid leukemia. Review status: no classification provided. Collection method: in vitro. Allele origin: not applicable. Functional consequence: retained intron. Not counted in ClinVar's aggregate classification.

Dr. Peter K. Rogan Lab, Western University
No classification provided (evidence only). Condition: Colorectal cancer. Review status: no classification provided. Collection method: in vitro. Allele origin: not applicable. Functional consequence: retained intron. Not counted in ClinVar's aggregate classification.

Dr. Peter K. Rogan Lab, Western University
No classification provided (evidence only). Condition: Uterine corpus endometrial carcinoma. Review status: no classification provided. Collection method: in vitro. Allele origin: not applicable. Functional consequence: retained intron. Not counted in ClinVar's aggregate classification.

Dr. Peter K. Rogan Lab, Western University
No classification provided (evidence only). Condition: Uterine corpus endometrial carcinoma. Review status: no classification provided. Collection method: in vitro. Allele origin: not applicable. Functional consequence: retained intron. Not counted in ClinVar's aggregate classification.

Dr. Peter K. Rogan Lab, Western University
No classification provided (evidence only). Condition: Nonpapillary renal cell carcinoma. Review status: no classification provided. Collection method: in vitro. Allele origin: not applicable. Functional consequence: retained intron. Not counted in ClinVar's aggregate classification.

Dr. Peter K. Rogan Lab, Western University
No classification provided (evidence only). Condition: Nonpapillary renal cell carcinoma. Review status: no classification provided. Collection method: in vitro. Allele origin: not applicable. Functional consequence: retained intron. Not counted in ClinVar's aggregate classification.

Dr. Peter K. Rogan Lab, Western University
No classification provided (evidence only). Condition: Thymoma. Review status: no classification provided. Collection method: in vitro. Allele origin: not applicable. Functional consequence: retained intron. Not counted in ClinVar's aggregate classification.

Dr. Peter K. Rogan Lab, Western University
No classification provided (evidence only). Condition: Thymoma. Review status: no classification provided. Collection method: in vitro. Allele origin: not applicable. Functional consequence: retained intron. Not counted in ClinVar's aggregate classification.

Dr. Peter K. Rogan Lab, Western University
No classification provided (evidence only). Condition: Lymphoma. Review status: no classification provided. Collection method: in vitro. Allele origin: not applicable. Functional consequence: retained intron. Not counted in ClinVar's aggregate classification.

NM_012295.4(CABIN1):c.2558G>A (p.Arg853Gln)

Gene: CABIN1 (calcineurin binding protein 1; plus strand). Cytogenetic location: 22q11.23.
Variant type: single nucleotide variant.
Coding change: c.2558G>A on transcript NM_012295.4 (MANE Select); coding-DNA position 2558, G replaced by A.
Protein change: p.Arg853Gln; replaces arginine 853 with glutamine.
Molecular consequence: missense variant.
Genome position (GRCh38, 1-based): chr22:24,072,436, G>A. VCF-style: chr22-24072436-G-A. GRCh37 (hg19) VCF-style: chr22-24468386-G-A.
Other names: NC_000022.10:g.24468386G>A; c.2558G>A, p.Arg853Gln (NM_001199281.1); c.2408G>A, p.Arg803Gln (NM_001201429.2); short protein forms R803Q, R853Q.
Identifiers: ClinVar variation 1175524 (VCV001175524.6), dbSNP rs17854874, ClinGen allele CA10148918.